The following is an entry in ClinVar:

NM_000273.3(GPR143):c.770G>T (p.Trp257Leu)

Gene: GPR143 (G protein-coupled receptor 143; minus strand). Cytogenetic location: Xp22.2.
Variant type: single nucleotide variant.
Coding change: c.770G>T on transcript NM_000273.3 (MANE Select); coding-DNA position 770, G replaced by T.
Protein change: p.Trp257Leu; replaces tryptophan 257 with leucine.
Molecular consequence: missense variant.
Genome position (GRCh38, 1-based): chrX:9,741,453, C>A on the plus strand (G>T on the coding strand, the complement: GPR143 is on the minus strand). VCF-style: chrX-9741453-C-A. GRCh37 (hg19) VCF-style: chrX-9709493-C-A.
Other names: short protein forms W257L.
Identifiers: ClinVar variation 2499433 (VCV002499433.2), dbSNP rs2518624923, ClinGen allele CA411996232.

ClinVar aggregate classification (germline): Uncertain significance (1 of 4 stars; one submission).

Submission:

GeneDx
Classification: Uncertain significance. Last evaluated: 2026-04-07. Review status: criteria provided, single submitter. Criteria: GeneDx Variant Classification Process June 2021. Collection method: clinical testing. Allele origin: germline.
Comment: Has not been previously published as pathogenic or benign to our knowledge; Not observed at significant frequency in large population cohorts (gnomAD); In silico analysis supports that this missense variant has a deleterious effect on protein structure/function